The following is an entry in ClinVar:

NM_000287.4(PEX6):c.970G>A (p.Glu324Lys)

Gene: PEX6 (peroxisomal biogenesis factor 6; minus strand). Cytogenetic location: 6p21.1.
Variant type: single nucleotide variant.
Coding change: c.970G>A on transcript NM_000287.4 (MANE Select); coding-DNA position 970, G replaced by A.
Protein change: p.Glu324Lys; replaces glutamic acid 324 with lysine.
Molecular consequence: missense variant. On other transcripts: non-coding transcript variant (1).
Genome position (GRCh38, 1-based): chr6:42,974,951, C>T on the plus strand (G>A on the coding strand, the complement: PEX6 is on the minus strand). VCF-style: chr6-42974951-C-T. GRCh37 (hg19) VCF-style: chr6-42942689-C-T.
Other names: c.706G>A, p.Glu236Lys (NM_001316313.2); short protein forms E324K, E236K.
Identifiers: ClinVar variation 559078 (VCV000559078.42), dbSNP rs201678533, ClinGen allele CA3811498.

ClinVar aggregate classification (germline): Likely benign. Review status: criteria provided, multiple submitters, no conflicts (2 of 4 stars). 7 submissions from 7 submitters: Likely benign (4). 3 of the submissions do not count toward it. Last evaluated 2026-01-17.

Conditions:
PEX6-related disorder. Also called: PEX6-related condition; PEX6-related disorders.
Peroxisome biogenesis disorder. Identifiers: Orphanet 79189, MedGen C1832200, MONDO:0019234. Disease mechanism: loss of function.
Zellweger spectrum disorders (ZS). Also called: Zellweger Spectrum Disorder (ZSD); Zellweger Spectrum Disorder; Zellweger Spectrum; Zellweger syndrome. Identifiers: Orphanet 912, MedGen C0043459, MONDO:0019609.

Allele frequency attached by ClinVar (database versions not stated): TOPMed 0.00009; gnomAD 0.00010 and 0.00015; gnomAD exomes 0.00016 and 0.00029; ExAC 0.00034; 1000 Genomes Project 0.00040; 1000 Genomes Project 30x 0.00047.

Submissions (7):

Labcorp Genetics (formerly Invitae), Labcorp
Classification: Likely benign for Peroxisome biogenesis disorder. Last evaluated: 2026-01-17. Review status: criteria provided, single submitter. Criteria: Invitae Variant Classification Sherloc (09022015). Collection method: clinical testing. Allele origin: germline.

Blueprint Genetics
Classification: Likely benign. Last evaluated: 2024-08-12. Review status: criteria provided, single submitter. Criteria: ACMG Guidelines, 2015. Collection method: clinical testing. Allele origin: germline.

CeGaT Center for Human Genetics Tuebingen
Classification: Likely benign. Last evaluated: 2023-07-01. Review status: criteria provided, single submitter. Criteria: CeGaT Center For Human Genetics Tuebingen Variant Classification Criteria Version 2. Collection method: clinical testing. Allele origin: germline. Affected: yes. Observed: 1 variant allele.
Comment: PEX6: BS2

Breakthrough Genomics
Classification: Likely benign. Review status: criteria provided, single submitter. Criteria: ACMG Guidelines, 2015. Collection method: not provided. Allele origin: germline. Inheritance: Autosomal recessive inheritance. Affected: yes.

PreventionGenetics, part of Exact Sciences
Classification: Likely benign for PEX6-related condition. Last evaluated: 2024-08-19. Review status: no assertion criteria provided. Collection method: clinical testing. Allele origin: germline. Not counted in ClinVar's aggregate classification.
Comment: This variant is classified as likely benign based on ACMG/AMP sequence variant interpretation guidelines (Richards et al. 2015 PMID: 25741868, with internal and published modifications).

Natera, Inc.
Classification: Likely benign for Zellweger syndrome. Last evaluated: 2019-10-28. Review status: no assertion criteria provided. Collection method: clinical testing. Allele origin: germline. Not counted in ClinVar's aggregate classification.

Mayo Clinic Laboratories, Mayo Clinic
Classification: Uncertain significance. Last evaluated: 2017-04-24. Review status: no assertion criteria provided. Collection method: clinical testing. Allele origin: unknown. Not counted in ClinVar's aggregate classification.